The following is an entry in ClinVar:

ClinVar aggregate classification (germline): Likely benign. Review status: reviewed by expert panel (3 of 4 stars). 6 submissions from 6 submitters: Likely benign (1). 5 of the submissions do not count toward it. Last evaluated 2025-12-12.

Conditions:
ACVRL1-related disorder. Also called: ACVRL1-related condition; ACVRL1-related disorders.
Cardiovascular phenotype. Identifiers: MedGen CN230736.
Telangiectasia, hereditary hemorrhagic, type 2 (HHT2). Also called: ACVRL1-Related Hereditary Hemorrhagic Telangiectasia; Telangiectasia, hereditary hemorrhagic, type II. Identifiers: Orphanet 774, MedGen C1838163, MONDO:0010880, OMIM 600376. Disease mechanism: loss of function.

Allele frequency attached by ClinVar (database versions not stated): gnomAD exomes 0.00007 and 0.00021; ExAC 0.00027; gnomAD 0.00077 and 0.00088; 1000 Genomes Project 0.00080; ESP Exome Variant Server 0.00092; 1000 Genomes Project 30x 0.00094; TOPMed 0.00097.
gnomAD v4.1: 235 of 1,612,276 alleles (0.015%); highest among the groups gnomAD compares: African/African-American, 0.26%; no homozygotes.

Submissions (6):

ClinGen Hereditary Hemorrhagic Telangiectasia Variant Curation Expert Panel, ClinGen
Classification: Likely benign for Telangiectasia, hereditary hemorrhagic, type 2. Last evaluated: 2025-12-12. Review status: reviewed by expert panel. Criteria: ClinGen HHT ACMG Specifications ACVRL1 V1.1.0. Collection method: curation. Allele origin: germline. Inheritance: Autosomal dominant inheritance.
Comment: The NM_000020.3: c.484C>T variant in ACVRL1 is a missense variant predicted to cause substitution of leucine by phenilalanine at amino acid 162 (p.Leu162Phe). The highest population minor allele frequency in gnomAD v2.1.1 is 0.26% in the African/African American population (BS1_strong). Functional assays showed the variant protein to be functional by a luciferase assay (BS3_supporting; Internal lab contributors). In summary, this variant meets the criterion to be classified as likely benign for autosomal dominant hereditary hemorrhagic telangiectasia based on the ACMG/AMP criteria applied, as specified by the ClinGen Hereditary Hemorrhagic Telangiectasia Variant Curation Expert Panel. Approved by Expert Panel: 12/12/2025. Evidence used: BS1_strong, BS3_supporting (specification version 1.1.0; 12/22/2025).

Ambry Genetics
Classification: Likely benign for Cardiovascular phenotype. Last evaluated: 2026-05-07. Review status: criteria provided, single submitter. Criteria: Ambry Variant Classification Scheme 2023. Collection method: clinical testing. Allele origin: germline. Not counted in ClinVar's aggregate classification.

Labcorp Genetics (formerly Invitae), Labcorp
Classification: Likely benign for Telangiectasia, hereditary hemorrhagic, type 2. Last evaluated: 2026-01-25. Review status: criteria provided, single submitter. Criteria: Invitae Variant Classification Sherloc (09022015). Collection method: clinical testing. Allele origin: germline. Not counted in ClinVar's aggregate classification.

PreventionGenetics, part of Exact Sciences
Classification: Likely benign for ACVRL1-related condition. Last evaluated: 2024-10-29. Review status: criteria provided, single submitter. Criteria: ACMG Guidelines, 2015. Collection method: clinical testing. Allele origin: germline. Not counted in ClinVar's aggregate classification.
Comment: This variant is classified as likely benign based on ACMG/AMP sequence variant interpretation guidelines (Richards et al. 2015 PMID: 25741868, with internal and published modifications).

Blueprint Genetics
Classification: Likely benign. Last evaluated: 2024-08-06. Review status: criteria provided, single submitter. Criteria: ACMG Guidelines, 2015. Collection method: clinical testing. Allele origin: germline. Not counted in ClinVar's aggregate classification.

Eurofins Ntd Llc (ga)
Classification: Uncertain significance. Last evaluated: 2014-09-01. Review status: criteria provided, single submitter. Criteria: EGL Classification Definitions 2015. Collection method: clinical testing. Allele origin: germline. Observed: 1 variant allele, 1 heterozygote. Not counted in ClinVar's aggregate classification.

NM_000020.3(ACVRL1):c.484C>T (p.Leu162Phe)

Gene: ACVRL1 (activin A receptor like type 1; plus strand). Cytogenetic location: 12q13.13.
Variant type: single nucleotide variant.
Coding change: c.484C>T on transcript NM_000020.3 (MANE Select); coding-DNA position 484, C replaced by T.
Protein change: p.Leu162Phe; replaces leucine 162 with phenylalanine.
Molecular consequence: missense variant.
Genome position (GRCh38, 1-based): chr12:51,913,729, C>T. VCF-style: chr12-51913729-C-T. GRCh37 (hg19) VCF-style: chr12-52307513-C-T.
Other names: NM_000020.3(ACVRL1):c.484C>T; p.Leu162Phe; c.484C>T, p.Leu162Phe (NM_001077401.2); short protein forms L162F.
Identifiers: ClinVar variation 197093 (VCV000197093.18), dbSNP rs76038779, ClinGen allele CA245043.
Genomic context (GRCh38, chr12:51,913,729, plus strand): 5'-CATGTCCGACGGAGGCAGGAGAAGCAGCGTGGCCTGCACAGCGAGCTGGGAGAGTCCAGT[C>T]TCATCCTGAAAGCATCTGAGCAGGGCGACAGCATGTTGGGGGTATGGGCCTGGGGACCTG-3'
Protein context (NP_000011.2, residues 152-172): GLHSELGESS[Leu162Phe]ILKASEQGDS